The following is an entry in ClinVar:

NM_199355.4(ADAMTS18):c.3427del (p.Val1143fs)

Genes: ADAMTS18 (ADAM metallopeptidase with thrombospondin type 1 motif 18; minus strand), LOC126862407 (CDK7 strongly-dependent group 2 enhancer GRCh37_chr16:77322970-77324169; plus strand). Cytogenetic location: 16q23.1.
Variant type: Deletion.
Coding change: c.3427del on transcript NM_199355.4 (MANE Select); coding-DNA position 3427, one base deleted (G; older notation c.3427delG).
Protein change: p.Val1143fs; shifts the reading frame from valine 1143.
Molecular consequence: frameshift variant.
Genome position (GRCh38, 1-based): chr16:77,289,387, C deleted on the plus strand (G on the coding strand, the reverse complement: ADAMTS18 is on the minus strand); the first of 4 consecutive C bases (chr16:77,289,387-77,289,390); deleting any one gives the same sequence. VCF-style (leftmost placement, unchanged base first): chr16-77289386-AC-A. GRCh37 (hg19) VCF-style: chr16-77323283-AC-A.
Other names: c.2911del, p.Val971fs (NM_001326358.2); short protein forms V1143fs, V971fs.
Identifiers: ClinVar variation 2020235 (VCV002020235.4), dbSNP rs2543568488, ClinGen allele CA2580092116.
Genomic context (GRCh38, chr16:77,289,386, plus strand): 5'-TGGAGCAGACAACTTGAGGAAGGCCGGCCTTGCTGAACACAGTGGACTGACCGGGTCTGG[AC>A]CCCTCCCCCACAGGTGACTGTGCACTGCAGCAGAGAGAAGAGGAAGGAGTCAGAAACACT-3'

ClinVar aggregate classification (germline): Uncertain significance (1 of 4 stars; one submission).

Submission:

Labcorp Genetics (formerly Invitae), Labcorp
Classification: Uncertain significance. Last evaluated: 2022-07-29. Review status: criteria provided, single submitter. Criteria: Invitae Variant Classification Sherloc (09022015). Collection method: clinical testing. Allele origin: germline.
Comment: In summary, the available evidence is currently insufficient to determine the role of this variant in disease. Therefore, it has been classified as a Variant of Uncertain Significance. Experimental studies and prediction algorithms are not available or were not evaluated, and the functional significance of this variant is currently unknown. This variant has not been reported in the literature in individuals affected with ADAMTS18-related conditions. This variant is not present in population databases (gnomAD no frequency). This sequence change creates a premature translational stop signal (p.Val1143Serfs*47) in the ADAMTS18 gene. While this is not anticipated to result in nonsense mediated decay, it is expected to disrupt the last 79 amino acid(s) of the ADAMTS18 protein.